The following is an entry in ClinVar:

NM_173560.4(RFX6):c.2269T>G (p.Tyr757Asp)

Gene: RFX6 (regulatory factor X6; plus strand). Cytogenetic location: 6q22.1.
Variant type: single nucleotide variant.
Coding change: c.2269T>G on transcript NM_173560.4 (MANE Select); coding-DNA position 2269, T replaced by G.
Protein change: p.Tyr757Asp; replaces tyrosine 757 with aspartic acid.
Molecular consequence: missense variant.
Genome position (GRCh38, 1-based): chr6:116,927,410, T>G. VCF-style: chr6-116927410-T-G. GRCh37 (hg19) VCF-style: chr6-117248573-T-G.
Other names: short protein forms Y757D.
Identifiers: ClinVar variation 5001825 (VCV005001825.1).
Genomic context (GRCh38, chr6:116,927,410, plus strand): 5'-AGAGACTTCTTCAGTGGCAGCTGTGCGGGGTCTCCATATAACTCCCGGCCACCGTCTAGC[T>G]ATGGCCCATCCCTGCAAGCCCAGGATTCACACAATATGCAGTTTTTAAATACAGGAAGCT-3'
Protein context (NP_775831.2, residues 747-767): SPYNSRPPSS[Tyr757Asp]GPSLQAQDSH

ClinVar aggregate classification (germline): Uncertain significance (1 of 4 stars; one submission).

Conditions:
RFX6-related disorder. Also called: RFX6-related condition.

gnomAD v4.1: 1 of 1,614,124 alleles (0.000062%); highest among the groups gnomAD compares: Non-Finnish European, 0.000085%; no homozygotes.

Submission:

PreventionGenetics, part of Exact Sciences
Classification: Uncertain significance for RFX6-related condition. Last evaluated: 2026-07-10. Review status: criteria provided, single submitter. Criteria: ACMG Guidelines, 2015. Collection method: clinical testing. Allele origin: germline.
Comment: The RFX6 c.2269T>G variant is predicted to result in the amino acid substitution p.Tyr757Asp. To our knowledge, this variant has not been reported in the literature or in a large population database (gnomAD), indicating this variant is rare. At this time, the clinical significance of this variant is uncertain due to the absence of conclusive functional and genetic evidence.